The following is an entry in ClinVar:

ClinVar aggregate classification (germline): Uncertain significance (1 of 4 stars; one submission).

Conditions:
Incidental Discovery. Identifiers: MedGen C1135954.

Submission:

Clinical Genetics Laboratory, Skane University Hospital Lund
Classification: Uncertain significance for Incidental Discovery. Last evaluated: 2025-10-03. Review status: criteria provided, single submitter. Criteria: ACMG Guidelines, 2015. Collection method: clinical testing. Allele origin: germline.
Comment: ACMG criteria applied: PM2, PM3.

NM_002016.2(FLG):c.1738G>A (p.Gly580Ser)

Genes: CCDST (cervical cancer associated DHX9 suppressive transcript; plus strand), FLG (filaggrin; minus strand). Cytogenetic location: 1q21.3.
Variant type: single nucleotide variant.
Coding change: c.1738G>A on transcript NM_002016.2 (MANE Select); coding-DNA position 1738, G replaced by A.
Protein change: p.Gly580Ser; replaces glycine 580 with serine.
Molecular consequence: missense variant.
Genome position (GRCh38, 1-based): chr1:152,313,148, C>T on the plus strand (G>A on the coding strand, the complement: FLG is on the minus strand). VCF-style: chr1-152313148-C-T. GRCh37 (hg19) VCF-style: chr1-152285624-C-T.
Other names: short protein forms G580S.
Identifiers: ClinVar variation 4277294 (VCV004277294.1).